The following is an entry in ClinVar:

NM_000642.3(AGL):c.3812A>G (p.Asn1271Ser)

Gene: AGL (amylo-alpha-1,6-glucosidase and 4-alpha-glucanotransferase; plus strand). Cytogenetic location: 1p21.2.
Variant type: single nucleotide variant.
Coding change: c.3812A>G on transcript NM_000642.3 (MANE Select); coding-DNA position 3812, A replaced by G.
Protein change: p.Asn1271Ser; replaces asparagine 1271 with serine.
Molecular consequence: missense variant.
Genome position (GRCh38, 1-based): chr1:99,910,823, A>G. VCF-style: chr1-99910823-A-G. GRCh37 (hg19) VCF-style: chr1-100376379-A-G.
Other names: p.Asn1271Ser; c.3608A>G, p.Asn1203Ser (NM_001425328.1); c.3473A>G, p.Asn1158Ser (NM_001425329.1); c.3434A>G, p.Asn1145Ser (NM_001425332.1); c.3812A>G, p.Asn1271Ser (NM_000643.3, NM_000644.3, NM_001425325.1 and 1 more transcripts); c.3764A>G, p.Asn1255Ser (NM_000646.3); c.3791A>G, p.Asn1264Ser (NM_001425326.1); c.3611A>G, p.Asn1204Ser (NM_001425327.1); short protein forms N1271S, N1255S, N1145S, N1158S, N1203S, N1204S, N1264S.
Identifiers: ClinVar variation 526604 (VCV000526604.9), dbSNP rs892629109, ClinGen allele CA27553557.

ClinVar aggregate classification (germline): Uncertain significance. Review status: criteria provided, multiple submitters, no conflicts (2 of 4 stars). 4 submissions from 4 submitters: Uncertain significance (3). 1 of the submissions does not count toward it. Last evaluated 2025-08-21.

Conditions:
Glycogen storage disease type III (GSD3). Also called: Cori disease; FORBES DISEASE. Identifiers: Orphanet 366, MedGen C0017922, MONDO:0009291, OMIM 232400.

Allele frequency attached by ClinVar (database versions not stated): TOPMed below 0.00001; gnomAD 0.00001; gnomAD exomes 0.00001.
gnomAD v4.1: 6 of 1,613,136 alleles (0.00037%); highest among the groups gnomAD compares: Non-Finnish European, 0.00051%; no homozygotes.

Submissions (4):

Mayo Clinic Laboratories, Mayo Clinic
Classification: Uncertain significance. Last evaluated: 2025-08-21. Review status: criteria provided, single submitter. Criteria: ACMG Guidelines, 2015. Collection method: clinical testing. Allele origin: germline. Observed: 1 variant allele.
Comment: BP4

GeneDx
Classification: Uncertain significance. Last evaluated: 2023-06-15. Review status: criteria provided, single submitter. Criteria: GeneDx Variant Classification Process June 2021. Collection method: clinical testing. Allele origin: germline. Affected: yes.
Comment: Not observed at significant frequency in large population cohorts (gnomAD); In silico analysis supports that this missense variant has a deleterious effect on protein structure/function; Has not been previously published as pathogenic or benign to our knowledge

Labcorp Genetics (formerly Invitae), Labcorp
Classification: Uncertain significance for Glycogen storage disease type III. Last evaluated: 2021-09-01. Review status: criteria provided, single submitter. Criteria: Invitae Variant Classification Sherloc (09022015). Collection method: clinical testing. Allele origin: germline.
Comment: This sequence change replaces asparagine with serine at codon 1271 of the AGL protein (p.Asn1271Ser). The asparagine residue is highly conserved and there is a small physicochemical difference between asparagine and serine. This variant is not present in population databases (ExAC no frequency). This variant has not been reported in the literature in individuals affected with AGL-related conditions. Algorithms developed to predict the effect of missense changes on protein structure and function are either unavailable or do not agree on the potential impact of this missense change (SIFT: "Tolerated"; PolyPhen-2: "Possibly Damaging"; Align-GVGD: "Class C0"). In summary, the available evidence is currently insufficient to determine the role of this variant in disease. Therefore, it has been classified as a Variant of Uncertain Significance.

Natera, Inc.
Classification: Uncertain significance for Glycogen storage disease type III. Last evaluated: 2020-01-17. Review status: no assertion criteria provided. Collection method: clinical testing. Allele origin: germline. Not counted in ClinVar's aggregate classification.